The following is an entry in ClinVar:

NM_005173.4(ATP2A3):c.1779C>T (p.Phe593=)

Gene: ATP2A3 (ATPase sarcoplasmic/endoplasmic reticulum Ca2+ transporting 3; minus strand). Cytogenetic location: 17p13.2.
Variant type: single nucleotide variant.
Coding change: c.1779C>T on transcript NM_005173.4 (MANE Select); coding-DNA position 1779, C replaced by T.
Protein change: p.Phe593=; no amino-acid change (phenylalanine 593 retained).
Molecular consequence: synonymous variant.
Genome position (GRCh38, 1-based): chr17:3,941,292, G>A on the plus strand (C>T on the coding strand, the complement: ATP2A3 is on the minus strand). VCF-style: chr17-3941292-G-A. GRCh37 (hg19) VCF-style: chr17-3844586-G-A.
Other names: c.1779C>T, p.Phe593= (NM_174953.3, NM_174954.3, NM_174955.3 and 3 more transcripts).
Identifiers: ClinVar variation 3050223 (VCV003050223.2), dbSNP rs145904497, ClinGen allele CA8297057.
Genomic context (GRCh38, chr17:3,941,292, plus strand): 5'-GCGTGTGATGCAGGCAGCCACCTCAGGTCGCGGCGGGTCCAGCATGCCTACGCAGCCCAC[G>A]AAGGTCAGGTCCGTCTGTAGGGAGGGGGCAGATTCAAGCGGGGCCTGAGCCCATCCCTGA-3'
Protein context (NP_005164.2, residues 583-603): KFVQYETDLT[Phe593=]VGCVGMLDPP

ClinVar aggregate classification (germline): Likely benign (0 of 4 stars; one submission).

Conditions:
ATP2A3-related disorder. Also called: ATP2A3-related condition.

Allele frequency attached by ClinVar (database versions not stated): gnomAD exomes 0.00015; gnomAD 0.00038; TOPMed 0.00040; ExAC 0.00059; 1000 Genomes Project 0.00200; 1000 Genomes Project 30x 0.00219.
gnomAD v4.1: 292 of 1,613,626 alleles (0.018%); highest among the groups gnomAD compares: East Asian, 0.41%; 1 homozygote.

Submission:

PreventionGenetics, part of Exact Sciences
Classification: Likely benign for ATP2A3-related condition. Last evaluated: 2019-07-12. Review status: no assertion criteria provided. Collection method: clinical testing. Allele origin: germline.
Comment: This variant is classified as likely benign based on ACMG/AMP sequence variant interpretation guidelines (Richards et al. 2015 PMID: 25741868, with internal and published modifications).